The following is an entry in ClinVar:

ClinVar aggregate classification (germline): Uncertain significance (1 of 4 stars; one submission).

gnomAD v4.1: 1 of 1,614,130 alleles (0.000062%); highest among the groups gnomAD compares: Non-Finnish European, 0.000085%; no homozygotes.

Submission:

GeneDx
Classification: Uncertain significance. Last evaluated: 2025-01-13. Review status: criteria provided, single submitter. Criteria: GeneDx Variant Classification Process June 2021. Collection method: clinical testing. Allele origin: germline. Affected: yes.
Comment: Not observed at significant frequency in large population cohorts (gnomAD); In silico analysis indicates that this missense variant does not alter protein structure/function; Has not been previously published as pathogenic or benign to our knowledge

NM_000552.5(VWF):c.7816A>G (p.Met2606Val)

Gene: VWF (von Willebrand factor; minus strand). Cytogenetic location: 12p13.31.
Variant type: single nucleotide variant.
Coding change: c.7816A>G on transcript NM_000552.5 (MANE Select); coding-DNA position 7816, A replaced by G.
Protein change: p.Met2606Val; replaces methionine 2606 with valine.
Molecular consequence: missense variant.
Genome position (GRCh38, 1-based): chr12:5,967,557, T>C on the plus strand (A>G on the coding strand, the complement: VWF is on the minus strand). VCF-style: chr12-5967557-T-C. GRCh37 (hg19) VCF-style: chr12-6076723-T-C.
Other names: short protein forms M2606V.
Identifiers: ClinVar variation 4070658 (VCV004070658.1).
Genomic context (GRCh38, chr12:5,967,557, plus strand): 5'-GGTTGCAGGTGGTCTTCCTGCACTCCAGCTTGAATCCAGAGATGACCCCCACCTGCACCA[T>C]GCAGCGGCAGGTCGTGCACACATCGATCATCACAGTCTTCCCGGGCTGGAAGCAGAGGCA-3'
Protein context (NP_000543.3, residues 2596-2616): MIDVCTTCRC[Met2606Val]VQVGVISGFK